The following is an entry in ClinVar:

NM_001367624.2(ZNF469):c.7348G>A (p.Gly2450Ser)

Gene: ZNF469 (zinc finger protein 469; plus strand). Cytogenetic location: 16q24.2.
Variant type: single nucleotide variant.
Coding change: c.7348G>A on transcript NM_001367624.2 (MANE Select); coding-DNA position 7348, G replaced by A.
Protein change: p.Gly2450Ser; replaces glycine 2450 with serine.
Molecular consequence: missense variant.
Genome position (GRCh38, 1-based): chr16:88,434,818, G>A. VCF-style: chr16-88434818-G-A. GRCh37 (hg19) VCF-style: chr16-88501226-G-A.
Other names: NM_001127464.1:c.7264G>A; short protein forms G2450S.
Identifiers: ClinVar variation 5032262 (VCV005032262.1).

ClinVar aggregate classification (germline): Uncertain significance (1 of 4 stars; one submission).

Conditions:
Cardiovascular phenotype. Identifiers: MedGen CN230736.

Submission:

Ambry Genetics
Classification: Uncertain significance for Cardiovascular phenotype. Last evaluated: 2026-08-24. Review status: criteria provided, single submitter. Criteria: Ambry Variant Classification Scheme 2023. Collection method: clinical testing. Allele origin: germline.
Comment: The p.G2422S variant (also known as c.7264G>A), located in coding exon 2 of the ZNF469 gene, results from a G to A substitution at nucleotide position 7264. The glycine at codon 2422 is replaced by serine, an amino acid with similar properties. This amino acid position is conserved. In addition, this alteration is predicted to be tolerated by in silico analysis. Based on the available evidence, the clinical significance of this variant remains unclear.